The following is an entry in ClinVar:

ClinVar aggregate classification (germline): Uncertain significance (1 of 4 stars; one submission).

Allele frequency attached by ClinVar (database versions not stated): gnomAD exomes 0.00001.
gnomAD v4.1: 19 of 1,532,698 alleles (0.0012%); highest among the groups gnomAD compares: Non-Finnish European, 0.0016%; no homozygotes.

Submission:

Labcorp Genetics (formerly Invitae), Labcorp
Classification: Uncertain significance. Last evaluated: 2022-06-27. Review status: criteria provided, single submitter. Criteria: Invitae Variant Classification Sherloc (09022015). Collection method: clinical testing. Allele origin: germline.
Comment: In summary, the available evidence is currently insufficient to determine the role of this variant in disease. Therefore, it has been classified as a Variant of Uncertain Significance. Algorithms developed to predict the effect of missense changes on protein structure and function (SIFT, PolyPhen-2, Align-GVGD) all suggest that this variant is likely to be tolerated. This variant has not been reported in the literature in individuals affected with AGAP1-related conditions. This variant is not present in population databases (gnomAD no frequency). This sequence change replaces glutamine, which is neutral and polar, with glutamic acid, which is acidic and polar, at codon 5 of the AGAP1 protein (p.Gln5Glu).

NM_001037131.3(AGAP1):c.13C>G (p.Gln5Glu)

Gene: AGAP1 (ArfGAP with GTPase domain, ankyrin repeat and PH domain 1; plus strand). Cytogenetic location: 2q37.2.
Variant type: single nucleotide variant.
Coding change: c.13C>G on transcript NM_001037131.3 (MANE Select); coding-DNA position 13, C replaced by G.
Protein change: p.Gln5Glu; replaces glutamine 5 with glutamic acid.
Molecular consequence: missense variant.
Genome position (GRCh38, 1-based): chr2:235,494,699, C>G. VCF-style: chr2-235494699-C-G. GRCh37 (hg19) VCF-style: chr2-236403343-C-G.
Other names: c.13C>G, p.Gln5Glu (NM_001244888.2, NM_001412122.1, NM_014914.5); short protein forms Q5E.
Identifiers: ClinVar variation 1971544 (VCV001971544.5), dbSNP rs1941231138, ClinGen allele CA351180765.